The following is an entry in ClinVar:

ClinVar aggregate classification (germline): Conflicting classifications of pathogenicity. Review status: criteria provided, conflicting classifications (1 of 4 stars). 2 submissions from 2 submitters: Uncertain significance (1); Likely benign (1). Last evaluated 2025-04-27.

Submissions (2):

Labcorp Genetics (formerly Invitae), Labcorp
Classification: Uncertain significance. Last evaluated: 2025-04-27. Review status: criteria provided, single submitter. Criteria: Invitae Variant Classification Sherloc (09022015). Collection method: clinical testing. Allele origin: germline.
Comment: This variant, c.957_974del, results in the deletion of 6 amino acid(s) of the ARID1B protein (p.Ser320_Gly325del), but otherwise preserves the integrity of the reading frame. The frequency data for this variant in the population databases is considered unreliable, as metrics indicate poor data quality at this position in the gnomAD database. This variant has not been reported in the literature in individuals affected with ARID1B-related conditions. ClinVar contains an entry for this variant (Variation ID: 434372). In summary, the available evidence is currently insufficient to determine the role of this variant in disease. Therefore, it has been classified as a Variant of Uncertain Significance.

Genetic Services Laboratory, University of Chicago
Classification: Likely benign. Last evaluated: 2016-04-28. Review status: criteria provided, single submitter. Criteria: ACMG Guidelines, 2015. Collection method: clinical testing. Allele origin: germline. Affected: no.

NM_001374828.1(ARID1B):c.1206_1223del (p.Ser403_Gly408del)

Gene: ARID1B (AT-rich interaction domain 1B; plus strand). Cytogenetic location: 6q25.3.
Variant type: Deletion.
Coding change: c.1206_1223del on transcript NM_001374828.1 (MANE Select); coding-DNA positions 1206 to 1223, 18 bases deleted (CAGCGGAGGAGGAGGAGG).
Protein change: p.Ser403_Gly408del.
Molecular consequence: inframe deletion.
Genome position (GRCh38, 1-based): chr6:156,778,886-156,778,903, CAGCGGAGGAGGAGGAGG deleted; deleting any 18 consecutive bases within chr6:156,778,870-156,778,903 gives the same sequence; the c. name uses the placement nearest the transcript's 3' end. VCF-style (leftmost placement, unchanged base first): chr6-156778869-GGCGGAGGAGGAGGAGGCA-G. GRCh37 (hg19) VCF-style: chr6-157100003-GGCGGAGGAGGAGGAGGCA-G.
Other names: c.957_974del, p.Ser320_Gly325del (NM_020732.3); c.1206_1223del, p.Ser403_Gly408del (NM_001371656.1, NM_001374820.1, NM_017519.3).
Identifiers: ClinVar variation 434372 (VCV000434372.7), dbSNP rs755976776, ClinGen allele CA571907189.